The following is an entry in ClinVar:

ClinVar aggregate classification (germline): Conflicting classifications of pathogenicity. Review status: criteria provided, conflicting classifications (1 of 4 stars). 6 submissions from 6 submitters: Uncertain significance (5); Likely benign (1). Last evaluated 2026-05-14.

Conditions:
USH2A-related disorder. Also called: USH2A-related disorders; USH2A-related condition. Identifiers: MedGen CN239332.
Retinal dystrophy. Also called: Inherited retinal dystrophy. Identifiers: Orphanet 71862, MedGen C0854723, MeSH D058499, MONDO:0019118, HP:0000556.

Allele frequency attached by ClinVar (database versions not stated): ESP Exome Variant Server 0.00008; gnomAD exomes 0.00013 and 0.00034; gnomAD 0.00019; 1000 Genomes Project 30x 0.00031; TOPMed 0.00034; 1000 Genomes Project 0.00040; ExAC 0.00040.
gnomAD v4.1: 213 of 1,613,726 alleles (0.013%); highest among the groups gnomAD compares: East Asian, 0.34%; 1 homozygote.

Submissions (6):

PreventionGenetics, part of Exact Sciences
Classification: Uncertain significance for USH2A-related condition. Last evaluated: 2026-05-14. Review status: criteria provided, single submitter. Criteria: ACMG Guidelines, 2015. Collection method: clinical testing. Allele origin: germline.
Comment: The USH2A c.5608C>T variant is predicted to result in the amino acid substitution p.Arg1870Trp. This variant has been reported in both the heterozygous and compound heterozygous states in two individuals with hearing loss (Miyagawa et al. 2013. PubMed ID: 23967202, Table S2; Ma et al. 2023. PubMed ID: 36597107, Table S2). This variant has also been reported in several individuals with retinitis pigmentosa, either in the homozygous state or in the heterozygous state along with a second plausible causative variant; in several patients, compound heterozygosity was established (see, for example, Xu et al. 2014. PubMed ID: 24938718, Table S4; Koyanagi et al. 2019. PubMed ID: 31213501, Table S8; Zhu et al. 2020. PubMed ID: 32675063; Weisschuh et al. 2020. PubMed ID: 32531858, Table S2; Suga et al. 2022. PubMed ID: 36284460, Table S3). In several cases, this variant was described in the heterozygous state without a second possible causative variant (Xu et al. 2014. PubMed ID: 24938718, Table S4; Ng et al. 2019. PubMed ID: 30948794, Table 3; Koyanagi et al. 2019. PubMed ID: 31213501, Table S8). This variant has also been reported in the compound heterozygous state in an individual with biliary atresia (Lam et al. 2021. PubMed ID: 34455394). This variant is reported in 0.39% of alleles in individuals of East Asian descent in gnomAD, including one homozygote in the most recent version of the database (v4.1). Although we suspect that this variant may be pathogenic, at this time, the clinical significance of this variant is uncertain due to the absence of conclusive functional and genetic evidence.

Labcorp Genetics (formerly Invitae), Labcorp
Classification: Likely benign. Last evaluated: 2026-01-25. Review status: criteria provided, single submitter. Criteria: Invitae Variant Classification Sherloc (09022015). Collection method: clinical testing. Allele origin: germline.

GeneDx
Classification: Uncertain significance. Last evaluated: 2026-01-09. Review status: criteria provided, single submitter. Criteria: GeneDx Variant Classification Process June 2021. Collection method: clinical testing. Allele origin: germline. Affected: yes.
Comment: In silico analysis supports that this missense variant has a deleterious effect on protein structure/function; This variant is associated with the following publications: (PMID: 24938718, 28944914, 30948794, 31054281, 23967202, 33105608, 33124170, 33629268, 33090715, 34455394, 36597107, 40901676, 32675063, 32531858, 31213501, 36284460)

Blueprint Genetics
Classification: Uncertain significance. Last evaluated: 2024-06-11. Review status: criteria provided, single submitter. Criteria: ACMG Guidelines, 2015. Collection method: clinical testing. Allele origin: germline.

Dept Of Ophthalmology, Nagoya University
Classification: Uncertain significance for Retinal dystrophy. Last evaluated: 2023-10-01. Review status: criteria provided, single submitter. Criteria: Submitter's publication. Collection method: research. Allele origin: germline. Affected: yes.

CeGaT Center for Human Genetics Tuebingen
Classification: Uncertain significance. Last evaluated: 2018-10-01. Review status: criteria provided, single submitter. Criteria: CeGaT Center For Human Genetics Tuebingen Variant Classification Criteria Version 2. Collection method: clinical testing. Allele origin: germline. Affected: yes. Observed: 1 variant allele.

NM_206933.4(USH2A):c.5608C>T (p.Arg1870Trp)

Genes: USH2A (usherin; minus strand), USH2A-AS2 (USH2A antisense RNA 2; plus strand). Cytogenetic location: 1q41.
Variant type: single nucleotide variant.
Coding change: c.5608C>T on transcript NM_206933.4 (MANE Select); coding-DNA position 5608, C replaced by T.
Protein change: p.Arg1870Trp; replaces arginine 1870 with tryptophan.
Molecular consequence: missense variant.
Genome position (GRCh38, 1-based): chr1:216,073,265, G>A on the plus strand (C>T on the coding strand, the complement: USH2A is on the minus strand). VCF-style: chr1-216073265-G-A. GRCh37 (hg19) VCF-style: chr1-216246607-G-A.
Other names: short protein forms R1870W.
Identifiers: ClinVar variation 744560 (VCV000744560.59), dbSNP rs144768593, ClinGen allele CA1395402.